The following is an entry in ClinVar:

NM_000268.4(NF2):c.1550T>C (p.Leu517Pro)

Gene: NF2 (NF2, moesin-ezrin-radixin like (MERLIN) tumor suppressor; plus strand). Cytogenetic location: 22q12.2.
Variant type: single nucleotide variant.
Coding change: c.1550T>C on transcript NM_000268.4 (MANE Select); coding-DNA position 1550, T replaced by C.
Protein change: p.Leu517Pro; replaces leucine 517 with proline.
Molecular consequence: missense variant. On other transcripts: non-coding transcript variant (1), intron variant (1).
Genome position (GRCh38, 1-based): chr22:29,678,299, T>C. VCF-style: chr22-29678299-T-C. GRCh37 (hg19) VCF-style: chr22-30074288-T-C.
Other names: c.1550T>C, p.Leu517Pro (NM_016418.5, NM_181825.3, NM_181832.3); c.1424T>C, p.Leu475Pro (NM_181828.3); c.1427T>C, p.Leu476Pro (NM_181829.3); c.1301T>C, p.Leu434Pro (NM_181830.3, NM_181831.3); c.448-16453T>C (NM_181833.3); short protein forms L517P, L475P, L434P, L476P.
Identifiers: ClinVar variation 547709 (VCV000547709.14), dbSNP rs1556002568, ClinGen allele CA411149762.

ClinVar aggregate classification (germline): Pathogenic/Likely pathogenic. Review status: criteria provided, multiple submitters, no conflicts (2 of 4 stars). 5 submissions from 5 submitters: Pathogenic (1); Likely pathogenic (4). Last evaluated 2025-10-01.

Conditions:
Hereditary cancer-predisposing syndrome. Also called: Hereditary Cancer Syndrome; Neoplastic Syndromes, Hereditary; Hereditary neoplastic syndrome; Tumor predisposition. Identifiers: Orphanet 140162, MedGen C0027672, MeSH D009386, MONDO:0015356.
Neurofibromatosis, type 2 (SWNV). Also called: SCHWANNOMATOSIS, VESTIBULAR; NF2-Related Schwannomatosis; BILATERAL ACOUSTIC NEUROFIBROMATOSIS. Identifiers: Orphanet 637, MedGen C0027832, MONDO:0007039, OMIM 101000. Disease mechanism: loss of function.

Submissions (5):

Labcorp Genetics (formerly Invitae), Labcorp
Classification: Likely pathogenic for Neurofibromatosis, type 2. Last evaluated: 2025-10-01. Review status: criteria provided, single submitter. Criteria: Invitae Variant Classification Sherloc (09022015). Collection method: clinical testing. Allele origin: germline.
Comment: This sequence change replaces leucine, which is neutral and non-polar, with proline, which is neutral and non-polar, at codon 517 of the NF2 protein (p.Leu517Pro). This variant is not present in population databases (gnomAD no frequency). This missense change has been observed in individuals with clinical features of NF2-related schwannomatosis (PMID: 16983642; internal data). ClinVar contains an entry for this variant (Variation ID: 547709). Invitae Evidence Modeling of protein sequence and biophysical properties (such as structural, functional, and spatial information, amino acid conservation, physicochemical variation, residue mobility, and thermodynamic stability) has been performed for this missense variant. However, the output from this modeling did not meet the statistical confidence thresholds required to predict the impact of this variant on NF2 protein function. Experimental studies have shown that this missense change affects NF2 function (PMID: 26045165, 33058421). In summary, the currently available evidence indicates that the variant is pathogenic, but additional data are needed to prove that conclusively. Therefore, this variant has been classified as Likely Pathogenic.

Ambry Genetics
Classification: Likely pathogenic for Hereditary cancer-predisposing syndrome. Last evaluated: 2025-06-12. Review status: criteria provided, single submitter. Criteria: Ambry Variant Classification Scheme 2023. Collection method: clinical testing. Allele origin: germline.
Comment: The p.L517P variant (also known as c.1550T>C), located in coding exon 14 of the NF2 gene, results from a T to C substitution at nucleotide position 1550. The leucine at codon 517 is replaced by proline, an amino acid with similar properties. This alteration was seen in a patient with bilateral vestibular schwannomas (Ahronowitz I et al. Hum. Mutat., 2007 Jan;28:1-12). This variant was reported in individuals with features consistent with NF2-related schwannomatosis (Ambry internal data). Functional study demonstrates that this variant affects protein activity (Wei Y et al. EMBO Rep, 2020 Dec;21:e50642). This amino acid position is highly conserved in available vertebrate species. In addition, this alteration is predicted to be deleterious by in silico analysis. Based on the majority of available evidence to date, this variant is likely to be pathogenic.

Genome-Nilou Lab
Classification: Likely pathogenic for Neurofibromatosis, type 2. Last evaluated: 2021-11-07. Review status: criteria provided, single submitter. Criteria: ACMG Guidelines, 2015. Collection method: clinical testing. Allele origin: germline. Affected: no.

GeneDx
Classification: Likely pathogenic. Last evaluated: 2019-12-16. Review status: criteria provided, single submitter. Criteria: GeneDx Variant Classification Process June 2021. Collection method: clinical testing. Allele origin: germline. Affected: yes.
Comment: Published functional studies demonstrate a damaging effect: fails to bind Lats1 and results in decreased phosphor-YAP (Li et al., 2015); Not observed in large population cohorts (Lek et al., 2016); In silico analysis, which includes protein predictors and evolutionary conservation, supports a deleterious effect; This variant is associated with the following publications: (PMID: 16983642, 26045165)

Center for Human Genetics, Inc
Classification: Pathogenic for Neurofibromatosis, type 2. Last evaluated: 2016-11-01. Review status: criteria provided, single submitter. Criteria: ACMG Guidelines, 2015. Collection method: clinical testing. Allele origin: germline. Affected: yes.

Literature cited by the submitters: PubMed 16983642 (cited by Labcorp Genetics (formerly Invitae), Labcorp and Ambry Genetics); PubMed 26045165 (cited by Labcorp Genetics (formerly Invitae), Labcorp); PubMed 33058421 (cited by Labcorp Genetics (formerly Invitae), Labcorp and Ambry Genetics).